The following is an entry in ClinVar:

ClinVar aggregate classification (germline): Uncertain significance. Review status: criteria provided, multiple submitters, no conflicts (2 of 4 stars). 2 submissions from 2 submitters: Uncertain significance (2). Last evaluated 2025-01-13.

Conditions:
Cardiovascular phenotype. Identifiers: MedGen CN230736.

gnomAD v4.1: 1 of 1,614,236 alleles (0.000062%); highest among the groups gnomAD compares: East Asian, 0.0022%; no homozygotes.

Submissions (2):

GeneDx
Classification: Uncertain significance. Last evaluated: 2025-01-13. Review status: criteria provided, single submitter. Criteria: GeneDx Variant Classification Process June 2021. Collection method: clinical testing. Allele origin: germline. Affected: yes.
Comment: Not observed at significant frequency in large population cohorts (gnomAD); In silico analysis indicates that this missense variant does not alter protein structure/function; Has not been previously published as pathogenic or benign to our knowledge

Ambry Genetics
Classification: Uncertain significance for Cardiovascular phenotype. Last evaluated: 2024-09-11. Review status: criteria provided, single submitter. Criteria: Ambry Variant Classification Scheme 2023. Collection method: clinical testing. Allele origin: germline.

NM_032578.4(MYPN):c.177C>A (p.Asp59Glu)

Gene: MYPN (myopalladin; plus strand). Cytogenetic location: 10q21.3.
Variant type: single nucleotide variant.
Coding change: c.177C>A on transcript NM_032578.4 (MANE Select); coding-DNA position 177, C replaced by A.
Protein change: p.Asp59Glu; replaces aspartic acid 59 with glutamic acid.
Molecular consequence: missense variant. On other transcripts: 5 prime UTR variant (1), non-coding transcript variant (1).
Genome position (GRCh38, 1-based): chr10:68,121,615, C>A. VCF-style: chr10-68121615-C-A. GRCh37 (hg19) VCF-style: chr10-69881372-C-A.
Other names: c.177C>A, p.Asp59Glu (NM_001256267.2); c.-946C>A (NM_001256268.2); short protein forms D59E.
Identifiers: ClinVar variation 3402130 (VCV003402130.2).